The following is an entry in ClinVar:

NM_001458.5(FLNC):c.290T>C (p.Leu97Pro)

Gene: FLNC (filamin C; plus strand). Cytogenetic location: 7q32.1.
Variant type: single nucleotide variant.
Coding change: c.290T>C on transcript NM_001458.5 (MANE Select); coding-DNA position 290, T replaced by C.
Protein change: p.Leu97Pro; replaces leucine 97 with proline.
Molecular consequence: missense variant.
Genome position (GRCh38, 1-based): chr7:128,830,927, T>C. VCF-style: chr7-128830927-T-C. GRCh37 (hg19) VCF-style: chr7-128470981-T-C.
Other names: c.290T>C, p.Leu97Pro (NM_001127487.2); short protein forms L97P.
Identifiers: ClinVar variation 641257 (VCV000641257.9), dbSNP rs1585147935, ClinGen allele CA369216866.

ClinVar aggregate classification (germline): Uncertain significance (1 of 4 stars; one submission).

Conditions:
Myofibrillar myopathy 5. Also called: FILAMINOPATHY, AUTOSOMAL DOMINANT; Filaminopathy (type). Identifiers: Orphanet 171445, MedGen C1836050, MONDO:0012289, OMIM 609524.
Distal myopathy with posterior leg and anterior hand involvement. Also called: WILLIAMS DISTAL MYOPATHY. Identifiers: Orphanet 63273, MedGen C3279722, MONDO:0013550, OMIM 614065.
Hypertrophic cardiomyopathy 26. Also called: Cardiomyopathy, familial hypertrophic, 26. Identifiers: Orphanet 75249, MedGen C4310749, MONDO:0014883, OMIM 617047.

Submission:

Labcorp Genetics (formerly Invitae), Labcorp
Classification: Uncertain significance for Distal myopathy with posterior leg and anterior hand involvement; Myofibrillar myopathy 5; Hypertrophic cardiomyopathy 26. Last evaluated: 2023-10-06. Review status: criteria provided, single submitter. Criteria: Invitae Variant Classification Sherloc (09022015). Collection method: clinical testing. Allele origin: germline.
Comment: This sequence change replaces leucine, which is neutral and non-polar, with proline, which is neutral and non-polar, at codon 97 of the FLNC protein (p.Leu97Pro). This variant is not present in population databases (gnomAD no frequency). This variant has not been reported in the literature in individuals affected with FLNC-related conditions. ClinVar contains an entry for this variant (Variation ID: 641257). Advanced modeling of protein sequence and biophysical properties (such as structural, functional, and spatial information, amino acid conservation, physicochemical variation, residue mobility, and thermodynamic stability) has been performed at Invitae for this missense variant, however the output from this modeling did not meet the statistical confidence thresholds required to predict the impact of this variant on FLNC protein function. In summary, the available evidence is currently insufficient to determine the role of this variant in disease. Therefore, it has been classified as a Variant of Uncertain Significance.